The following is an entry in ClinVar:

NM_001042492.3(NF1):c.2875C>T (p.Gln959Ter)

Gene: NF1 (neurofibromin 1; plus strand). Cytogenetic location: 17q11.2.
Variant type: single nucleotide variant.
Coding change: c.2875C>T on transcript NM_001042492.3 (MANE Select); coding-DNA position 2875, C replaced by T.
Protein change: p.Gln959Ter; replaces glutamine 959 with a stop codon.
Molecular consequence: nonsense.
Genome position (GRCh38, 1-based): chr17:31,229,859, C>T. VCF-style: chr17-31229859-C-T. GRCh37 (hg19) VCF-style: chr17-29556877-C-T.
Other names: c.2875C>T, p.Gln959Ter (NM_000267.4); short protein forms Q959*.
Identifiers: ClinVar variation 1396915 (VCV001396915.12), dbSNP rs2151430537, ClinGen allele CA398986037.

ClinVar aggregate classification (germline): Pathogenic. Review status: criteria provided, multiple submitters, no conflicts (2 of 4 stars). 5 submissions from 5 submitters: Pathogenic (5). Last evaluated 2026-04-01.

Conditions:
Hereditary cancer-predisposing syndrome. Also called: Hereditary neoplastic syndrome; Tumor predisposition; Neoplastic Syndromes, Hereditary; Hereditary Cancer Syndrome. Identifiers: Orphanet 140162, MedGen C0027672, MeSH D009386, MONDO:0015356.
Cardiovascular phenotype. Identifiers: MedGen CN230736.
Neurofibromatosis, type 1 (NF1). Also called: VON RECKLINGHAUSEN DISEASE; Peripheral type neurofibromatosis; NEUROFIBROMATOSIS, TYPE I, SOMATIC; Neurofibromatosis, type I. Identifiers: Orphanet 636, MedGen C0027831, MONDO:0018975, OMIM 162200. Disease mechanism: loss of function.

Submissions (5):

Department of Genetics, Sultan Qaboos University Hospital
Classification: Pathogenic for Neurofibromatosis, type 1. Last evaluated: 2026-04-01. Review status: criteria provided, single submitter. Criteria: ACMG Guidelines, 2015. Collection method: clinical testing. Allele origin: germline. Affected: yes. Observed: 1 variant allele.
Comment: PVS1,PM2,PP5_Very_Strong

Labcorp Genetics (formerly Invitae), Labcorp
Classification: Pathogenic for Neurofibromatosis, type 1. Last evaluated: 2025-11-27. Review status: criteria provided, single submitter. Criteria: Invitae Variant Classification Sherloc (09022015). Collection method: clinical testing. Allele origin: germline.
Comment: This sequence change creates a premature translational stop signal (p.Gln959*) in the NF1 gene. It is expected to result in an absent or disrupted protein product. Loss-of-function variants in NF1 are known to be pathogenic (PMID: 10712197, 23913538). This variant is not present in population databases (gnomAD no frequency). This premature translational stop signal has been observed in individual(s) with neurofibromatosis type 1 (NF1) (PMID: 10862084, 22155606). ClinVar contains an entry for this variant (Variation ID: 1396915). Algorithms developed to predict the effect of sequence changes on RNA splicing suggest that this variant may disrupt the consensus splice site. For these reasons, this variant has been classified as Pathogenic.

3billion
Classification: Pathogenic for Neurofibromatosis, type 1. Last evaluated: 2025-04-07. Review status: criteria provided, single submitter. Criteria: ACMG Guidelines, 2015. Collection method: clinical testing. Allele origin: germline. Affected: yes.
Comment: The variant is not observed in the gnomAD v4.1.0 dataset. Predicted Consequence/Location:Stop-gained (nonsense): predicted to result in a loss or disruption of normal protein function through nonsense-mediated decay (NMD) or protein truncation. Multiple pathogenic variants are reported downstream of the variant.The variant has been reported at least twice as pathogenic without evidence for the classification (ClinVar ID: VCV001396915 / PMID: 10862084). Therefore, this variant is classified as Pathogenic according to the recommendation of ACMG/AMP guideline.

GeneDx
Classification: Pathogenic. Last evaluated: 2023-07-31. Review status: criteria provided, single submitter. Criteria: GeneDx Variant Classification Process June 2021. Collection method: clinical testing. Allele origin: germline. Affected: yes.
Comment: Observed in individuals with NF1-related features (Messiaen et al., 2000; Thomas et al., 2010); Nonsense variant predicted to result in protein truncation or nonsense mediated decay in a gene for which loss of function is a known mechanism of disease; Not observed at significant frequency in large population cohorts (gnomAD); This variant is associated with the following publications: (PMID: 25525159, 20358387, 23817572, 10862084, 22155606, 33231931)

Ambry Genetics
Classification: Pathogenic for Cardiovascular phenotype; Hereditary cancer-predisposing syndrome. Last evaluated: 2022-12-02. Review status: criteria provided, single submitter. Criteria: Ambry Variant Classification Scheme 2023. Collection method: clinical testing. Allele origin: germline.
Comment: The p.Q959* pathogenic mutation (also known as c.2875C>T), located in coding exon 22 of the NF1 gene, results from a C to T substitution at nucleotide position 2875. This changes the amino acid from a glutamine to a stop codon within coding exon 22. This alteration has been observed in multiple individuals with a personal and/or family history that is consistent with NF1-related disease (Ambry internal data; Messiaen LM et al. Hum Mutat, 2000;15:541-55; Thomas L et al. Neurogenetics, 2010 Oct;11:391-400). This variant is considered to be rare based on population cohorts in the Genome Aggregation Database (gnomAD). In addition to the clinical data presented in the literature, this alteration is expected to result in loss of function by premature protein truncation or nonsense-mediated mRNA decay. As such, this alteration is interpreted as a disease-causing mutation.

Literature cited by the submitters: PubMed 10712197 (cited by Labcorp Genetics (formerly Invitae), Labcorp); PubMed 23913538 (cited by Labcorp Genetics (formerly Invitae), Labcorp); PubMed 10862084 (cited by Labcorp Genetics (formerly Invitae), Labcorp and 3billion); PubMed 22155606 (cited by Labcorp Genetics (formerly Invitae), Labcorp).